The following is an entry in ClinVar:

ClinVar aggregate classification (germline): Pathogenic (1 of 4 stars; one submission).

Allele frequency attached by ClinVar (database versions not stated): gnomAD exomes below 0.00001; gnomAD 0.00001; TOPMed 0.00001.
gnomAD v4.1: 6 of 1,612,846 alleles (0.00037%); highest among the groups gnomAD compares: Non-Finnish European, 0.00051%; no homozygotes.

Submission:

Labcorp Genetics (formerly Invitae), Labcorp
Classification: Pathogenic. Last evaluated: 2023-12-22. Review status: criteria provided, single submitter. Criteria: Invitae Variant Classification Sherloc (09022015). Collection method: clinical testing. Allele origin: germline.
Comment: This sequence change affects a donor splice site in intron 1 of the OTOA gene. It is expected to disrupt RNA splicing. Variants that disrupt the donor or acceptor splice site typically lead to a loss of protein function (PMID: 16199547), and loss-of-function variants in OTOA are known to be pathogenic (PMID: 11972037). This variant is present in population databases (no rsID available, gnomAD 0.007%). Disruption of this splice site has been observed in individual(s) with deafness (Invitae). In at least one individual the data is consistent with being in trans (on the opposite chromosome) from a pathogenic variant. Algorithms developed to predict the effect of sequence changes on RNA splicing suggest that this variant may disrupt the consensus splice site. For these reasons, this variant has been classified as Pathogenic.

Literature cited by the submitters: PubMed 16199547; PubMed 11972037.

NM_144672.4(OTOA):c.91+1G>T

Gene: OTOA (otoancorin). Cytogenetic location: 16p12.2.
Variant type: single nucleotide variant.
Coding change: c.91+1G>T on transcript NM_144672.4 (MANE Select); the canonical splice donor site of the intron after coding-DNA position 91, G replaced by T.
Molecular consequence: splice donor variant.
Genome position (GRCh38, 1-based): chr16:21,678,606, G>T. VCF-style: chr16-21678606-G-T. GRCh37 (hg19) VCF-style: chr16-21689927-G-T.
Identifiers: ClinVar variation 2965745 (VCV002965745.3), dbSNP rs1180279498, ClinGen allele CA395050767.